The following is an entry in ClinVar:

ClinVar aggregate classification (germline): Uncertain significance. Review status: criteria provided, multiple submitters, no conflicts (2 of 4 stars). 2 submissions from 2 submitters: Uncertain significance (2). Last evaluated 2025-10-22.

Conditions:
Familial adenomatous polyposis 1 (FAP1). Also called: FAMILIAL ADENOMATOUS POLYPOSIS 1, ATTENUATED; POLYPOSIS, ADENOMATOUS INTESTINAL. Identifiers: MedGen C2713442, MONDO:0021056, OMIM 175100. Disease mechanism: loss of function.
Hereditary cancer-predisposing syndrome. Also called: Tumor predisposition; Hereditary Cancer Syndrome; Hereditary neoplastic syndrome; Neoplastic Syndromes, Hereditary. Identifiers: Orphanet 140162, MedGen C0027672, MeSH D009386, MONDO:0015356.

Submissions (2):

Ambry Genetics
Classification: Uncertain significance for Hereditary cancer-predisposing syndrome. Last evaluated: 2025-10-22. Review status: criteria provided, single submitter. Criteria: Ambry Variant Classification Scheme 2023. Collection method: clinical testing. Allele origin: germline.
Comment: The p.D482N variant (also known as c.1444G>A), located in coding exon 11 of the APC gene, results from a G to A substitution at nucleotide position 1444. The aspartic acid at codon 482 is replaced by asparagine, an amino acid with highly similar properties. This amino acid position is conserved. In addition, in silico predictors for this gene do not accurately predict pathogenicity. Based on the available evidence, the clinical significance of this variant remains unclear.

Labcorp Genetics (formerly Invitae), Labcorp
Classification: Uncertain significance for Familial adenomatous polyposis 1. Last evaluated: 2025-02-02. Review status: criteria provided, single submitter. Criteria: Invitae Variant Classification Sherloc (09022015). Collection method: clinical testing. Allele origin: germline.
Comment: This sequence change replaces aspartic acid, which is acidic and polar, with asparagine, which is neutral and polar, at codon 482 of the APC protein (p.Asp482Asn). This variant is not present in population databases (gnomAD no frequency). This variant has not been reported in the literature in individuals affected with APC-related conditions. ClinVar contains an entry for this variant (Variation ID: 537420). Invitae Evidence Modeling of protein sequence and biophysical properties (such as structural, functional, and spatial information, amino acid conservation, physicochemical variation, residue mobility, and thermodynamic stability) indicates that this missense variant is not expected to disrupt APC protein function with a negative predictive value of 95%. In summary, the available evidence is currently insufficient to determine the role of this variant in disease. Therefore, it has been classified as a Variant of Uncertain Significance.

NM_000038.6(APC):c.1444G>A (p.Asp482Asn)

Gene: APC (APC regulator of Wnt signaling pathway; plus strand). Cytogenetic location: 5q22.2.
Variant type: single nucleotide variant.
Coding change: c.1444G>A on transcript NM_000038.6 (MANE Select); coding-DNA position 1444, G replaced by A.
Protein change: p.Asp482Asn; replaces aspartic acid 482 with asparagine.
Molecular consequence: missense variant.
Genome position (GRCh38, 1-based): chr5:112,827,143, G>A. VCF-style: chr5-112827143-G-A. GRCh37 (hg19) VCF-style: chr5-112162840-G-A.
Other names: c.1444G>A, p.Asp482Asn (NM_001127510.3, NM_001354895.2); c.1390G>A, p.Asp464Asn (NM_001127511.3); c.1498G>A, p.Asp500Asn (NM_001354896.2); c.1474G>A, p.Asp492Asn (NM_001354897.2); c.1369G>A, p.Asp457Asn (NM_001354898.2); c.1360G>A, p.Asp454Asn (NM_001354899.2); c.1321G>A, p.Asp441Asn (NM_001354900.2); c.1267G>A, p.Asp423Asn (NM_001354901.2); and 5 more; short protein forms D464N, D482N, D322N, D492N, D356N, D381N, D391N, D454N.
Identifiers: ClinVar variation 537420 (VCV000537420.11), dbSNP rs1554081666, ClinGen allele CA16024462.